The following is an entry in ClinVar:

ClinVar aggregate classification (germline): Uncertain significance (1 of 4 stars; one submission).

Conditions:
Capillary malformation-arteriovenous malformation syndrome. Also called: Capillary malformation-arteriovenous malformation. Identifiers: Orphanet 137667, MedGen C1842180, MONDO:0012016.

Allele frequency attached by ClinVar (database versions not stated): gnomAD exomes below 0.00001.
gnomAD v4.1: 1 of 1,612,260 alleles (0.000062%); highest among the groups gnomAD compares: Admixed American, 0.0017%; no homozygotes.

Submission:

Labcorp Genetics (formerly Invitae), Labcorp
Classification: Uncertain significance for Capillary malformation-arteriovenous malformation syndrome. Last evaluated: 2023-01-11. Review status: criteria provided, single submitter. Criteria: Invitae Variant Classification Sherloc (09022015). Collection method: clinical testing. Allele origin: germline.
Comment: In summary, the available evidence is currently insufficient to determine the role of this variant in disease. Therefore, it has been classified as a Variant of Uncertain Significance. Algorithms developed to predict the effect of missense changes on protein structure and function (SIFT, PolyPhen-2, Align-GVGD) all suggest that this variant is likely to be disruptive. ClinVar contains an entry for this variant (Variation ID: 1486838). This variant has not been reported in the literature in individuals affected with RASA1-related conditions. This variant is present in population databases (no rsID available, gnomAD 0.003%). This sequence change replaces leucine, which is neutral and non-polar, with serine, which is neutral and polar, at codon 835 of the RASA1 protein (p.Leu835Ser).

NM_002890.3(RASA1):c.2504T>C (p.Leu835Ser)

Genes: CCNH (cyclin H; minus strand), RASA1 (RAS p21 protein activator 1; plus strand). Cytogenetic location: 5q14.3.
Variant type: single nucleotide variant.
Coding change: c.2504T>C on transcript NM_002890.3 (MANE Select); coding-DNA position 2504, T replaced by C.
Protein change: p.Leu835Ser; replaces leucine 835 with serine.
Molecular consequence: missense variant. On other transcripts: intron variant (1).
Genome position (GRCh38, 1-based): chr5:87,379,751, T>C. VCF-style: chr5-87379751-T-C. GRCh37 (hg19) VCF-style: chr5-86675568-T-C.
Other names: c.1973T>C, p.Leu658Ser (NM_022650.3); c.933+15293A>G (NM_001364075.2); short protein forms L835S, L658S.
Identifiers: ClinVar variation 1486838 (VCV001486838.8), dbSNP rs1445029428, ClinGen allele CA360383639.